The following is an entry in ClinVar:

ClinVar aggregate classification (germline): Uncertain significance (1 of 4 stars; one submission).

Conditions:
Generalized epilepsy with febrile seizures plus, type 2 (GEFSP2). Also called: GEFS+, TYPE 2. Identifiers: Orphanet 36387, MedGen C1858673, MONDO:0011461, OMIM 604403.

Allele frequency attached by ClinVar (database versions not stated): gnomAD exomes below 0.00001.
gnomAD v4.1: 3 of 1,613,968 alleles (0.00019%); highest among the groups gnomAD compares: Non-Finnish European, 0.00025%; no homozygotes.

Submission:

Neuberg Centre For Genomic Medicine, NCGM
Classification: Uncertain significance for Generalized epilepsy with febrile seizures plus, type 2. Review status: criteria provided, single submitter. Criteria: ACMG Guidelines, 2015. Collection method: clinical testing. Allele origin: germline. Affected: yes.
Comment: The missense variant c.5226C>A (p.Asp1742Glu) in SCN1A gene has not been reported previously as a pathogenic variant nor as a benign variant, to our knowledge. The p.Asp1742Glu variant is novel (not in any individuals) in 1000 Genomes and is present in the gnomAD exomes database with a frequency of 0.0004%. The amino acid Asp at position 1742 is changed to a Glu changing protein sequence and it might alter its composition and physico-chemical properties. The variant is predicted to be damaging by both SIFT and PolyPhen2. The residue is conserved across species. The amino acid change p.Asp1742Glu in SCN1A is predicted as conserved by GERP++ and PhyloP across 100 vertebrates. For these reasons, this variant has been classified as Uncertain Significance.

NM_001165963.4(SCN1A):c.5226C>A (p.Asp1742Glu)

Genes: SCN1A (sodium voltage-gated channel alpha subunit 1; minus strand), LOC102724058 (uncharacterized LOC102724058; plus strand). Cytogenetic location: 2q24.3.
Variant type: single nucleotide variant.
Coding change: c.5226C>A on transcript NM_001165963.4 (MANE Select); coding-DNA position 5226, C replaced by A.
Protein change: p.Asp1742Glu; replaces aspartic acid 1742 with glutamic acid.
Molecular consequence: missense variant. On other transcripts: non-coding transcript variant (1).
Genome position (GRCh38, 1-based): chr2:165,992,049, G>T on the plus strand (C>A on the coding strand, the complement: SCN1A is on the minus strand). VCF-style: chr2-165992049-G-T. GRCh37 (hg19) VCF-style: chr2-166848559-G-T.
Other names: c.5142C>A, p.Asp1714Glu (NM_001165964.3, NM_001353957.2, NM_001353958.2); c.5226C>A, p.Asp1742Glu (NM_001202435.3, NM_001353948.2); c.5193C>A, p.Asp1731Glu (NM_001353949.2, NM_001353950.2, NM_001353951.2 and 2 more transcripts); c.5190C>A, p.Asp1730Glu (NM_001353954.2, NM_001353955.2); c.5139C>A, p.Asp1713Glu (NM_001353960.2); c.2784C>A, p.Asp928Glu (NM_001353961.2); short protein forms D1713E, D1714E, D1730E, D1731E, D1742E, D928E.
Identifiers: ClinVar variation 1878554 (VCV001878554.1), dbSNP rs1283230400, ClinGen allele CA349068500.